The following is an entry in ClinVar:

ClinVar aggregate classification (germline): Uncertain significance (1 of 4 stars; one submission).

Allele frequency attached by ClinVar (database versions not stated): gnomAD exomes below 0.00001.

Submission:

Labcorp Genetics (formerly Invitae), Labcorp
Classification: Uncertain significance. Last evaluated: 2022-06-18. Review status: criteria provided, single submitter. Criteria: Invitae Variant Classification Sherloc (09022015). Collection method: clinical testing. Allele origin: germline.
Comment: This sequence change replaces lysine, which is basic and polar, with methionine, which is neutral and non-polar, at codon 1266 of the SAMD9 protein (p.Lys1266Met). This variant is not present in population databases (gnomAD no frequency). This variant has not been reported in the literature in individuals affected with SAMD9-related conditions. Algorithms developed to predict the effect of missense changes on protein structure and function are either unavailable or do not agree on the potential impact of this missense change (SIFT: "Deleterious"; PolyPhen-2: "Possibly Damaging"; Align-GVGD: "Class C0"). In summary, the available evidence is currently insufficient to determine the role of this variant in disease. Therefore, it has been classified as a Variant of Uncertain Significance.

NM_017654.4(SAMD9):c.3797A>T (p.Lys1266Met)

Gene: SAMD9 (sterile alpha motif domain containing 9; minus strand). Cytogenetic location: 7q21.2.
Variant type: single nucleotide variant.
Coding change: c.3797A>T on transcript NM_017654.4 (MANE Select); coding-DNA position 3797, A replaced by T.
Protein change: p.Lys1266Met; replaces lysine 1266 with methionine.
Molecular consequence: missense variant.
Genome position (GRCh38, 1-based): chr7:93,102,301, T>A on the plus strand (A>T on the coding strand, the complement: SAMD9 is on the minus strand). VCF-style: chr7-93102301-T-A. GRCh37 (hg19) VCF-style: chr7-92731614-T-A.
Other names: c.3797A>T, p.Lys1266Met (NM_001193307.2); short protein forms K1266M.
Identifiers: ClinVar variation 2007883 (VCV002007883.4), dbSNP rs369488588, ClinGen allele CA161989958.